The following is an entry in ClinVar:

ClinVar aggregate classification (germline): Uncertain significance (0 of 4 stars; one submission).

Conditions:
PCNT-related disorder. Also called: PCNT-related condition.

gnomAD v4.1: 2 of 1,613,968 alleles (0.00012%); highest among the groups gnomAD compares: East Asian, 0.0045%; no homozygotes.

Submission:

PreventionGenetics, part of Exact Sciences
Classification: Uncertain significance for PCNT-related condition. Last evaluated: 2024-01-02. Review status: no assertion criteria provided. Collection method: clinical testing. Allele origin: germline.
Comment: The PCNT c.2849A>G variant is predicted to result in the amino acid substitution p.Gln950Arg. To our knowledge, this variant has not been reported in the literature or in a large population database, indicating this variant is rare. At this time, the clinical significance of this variant is uncertain due to the absence of conclusive functional and genetic evidence.

NM_006031.6(PCNT):c.2849A>G (p.Gln950Arg)

Gene: PCNT (pericentrin; plus strand). Cytogenetic location: 21q22.3.
Variant type: single nucleotide variant.
Coding change: c.2849A>G on transcript NM_006031.6 (MANE Select); coding-DNA position 2849, A replaced by G.
Protein change: p.Gln950Arg; replaces glutamine 950 with arginine.
Molecular consequence: missense variant.
Genome position (GRCh38, 1-based): chr21:46,366,823, A>G. VCF-style: chr21-46366823-A-G. GRCh37 (hg19) VCF-style: chr21-47786738-A-G.
Other names: c.2495A>G, p.Gln832Arg (NM_001315529.2); short protein forms Q832R, Q950R.
Identifiers: ClinVar variation 3349013 (VCV003349013.1).